The following is an entry in ClinVar:

NM_001458.5(FLNC):c.6972G>A (p.Leu2324=)

Genes: FLNC (filamin C; plus strand), FLNC-AS1 (FLNC antisense RNA 1; minus strand). Cytogenetic location: 7q32.1.
Variant type: single nucleotide variant.
Coding change: c.6972G>A on transcript NM_001458.5 (MANE Select); coding-DNA position 6972, G replaced by A.
Protein change: p.Leu2324=; no amino-acid change (leucine 2324 retained).
Molecular consequence: synonymous variant.
Genome position (GRCh38, 1-based): chr7:128,854,657, G>A. VCF-style: chr7-128854657-G-A. GRCh37 (hg19) VCF-style: chr7-128494711-G-A.
Other names: c.6873G>A, p.Leu2291= (NM_001127487.2); c.6972G>A (NM_001458.4).
Identifiers: ClinVar variation 1109531 (VCV001109531.10), dbSNP rs1026201839, ClinGen allele CA166191883.

ClinVar aggregate classification (germline): Conflicting classifications of pathogenicity. Review status: criteria provided, conflicting classifications (1 of 4 stars). 2 submissions from 2 submitters: Uncertain significance (1); Likely benign (1). Last evaluated 2026-08-05.

Conditions:
Hypertrophic cardiomyopathy 26. Also called: Cardiomyopathy, familial hypertrophic, 26. Identifiers: Orphanet 75249, MedGen C4310749, MONDO:0014883, OMIM 617047.
Myofibrillar myopathy 5. Also called: Filaminopathy (type); FILAMINOPATHY, AUTOSOMAL DOMINANT. Identifiers: Orphanet 171445, MedGen C1836050, MONDO:0012289, OMIM 609524.
Distal myopathy with posterior leg and anterior hand involvement. Also called: WILLIAMS DISTAL MYOPATHY. Identifiers: Orphanet 63273, MedGen C3279722, MONDO:0013550, OMIM 614065.
Cardiovascular phenotype. Identifiers: MedGen CN230736.

Allele frequency attached by ClinVar (database versions not stated): gnomAD exomes below 0.00001 and 0.00001.
gnomAD v4.1: 11 of 1,612,576 alleles (0.00068%); highest among the groups gnomAD compares: African/African-American, 0.0013%; no homozygotes.

Submissions (2):

Ambry Genetics
Classification: Uncertain significance for Cardiovascular phenotype. Last evaluated: 2026-08-05. Review status: criteria provided, single submitter. Criteria: Ambry Variant Classification Scheme 2023. Collection method: clinical testing. Allele origin: germline.
Comment: The c.6972G>A variant (also known as p.L2324L), located in coding exon 41 of the FLNC gene, results from a G to A substitution at nucleotide position 6972. This nucleotide substitution does not change the amino acid at codon 2324. This nucleotide position is well conserved in available vertebrate species. In silico splice site analysis for this alteration is inconclusive. Based on the available evidence, the clinical significance of this variant remains unclear.

Labcorp Genetics (formerly Invitae), Labcorp
Classification: Likely benign for Distal myopathy with posterior leg and anterior hand involvement; Myofibrillar myopathy 5; Hypertrophic cardiomyopathy 26. Last evaluated: 2025-05-22. Review status: criteria provided, single submitter. Criteria: Invitae Variant Classification Sherloc (09022015). Collection method: clinical testing. Allele origin: germline.